The following is an entry in ClinVar:

ClinVar aggregate classification (germline): Pathogenic (1 of 4 stars; one submission).

Conditions:
Severe combined immunodeficiency due to DCLRE1C deficiency (RS-SCID). Also called: SCID, AUTOSOMAL RECESSIVE, T CELL-NEGATIVE, B CELL-NEGATIVE, NK CELL-POSITIVE, WITH SENSITIVITY TO IONIZING RADIATION. Identifiers: Orphanet 275, MedGen C1865371, MONDO:0011225, OMIM 602450.

Allele frequency attached by ClinVar (database versions not stated): gnomAD exomes 0.00001.

Submission:

Labcorp Genetics (formerly Invitae), Labcorp
Classification: Pathogenic for Athabaskan severe combined immunodeficiency. Last evaluated: 2023-05-22. Review status: criteria provided, single submitter. Criteria: Invitae Variant Classification Sherloc (09022015). Collection method: clinical testing. Allele origin: germline.
Comment: This sequence change creates a premature translational stop signal (p.Leu110Serfs*74) in the DCLRE1C gene. It is expected to result in an absent or disrupted protein product. Loss-of-function variants in DCLRE1C are known to be pathogenic (PMID: 21664875, 26123418). This variant is not present in population databases (gnomAD no frequency). This variant has not been reported in the literature in individuals affected with DCLRE1C-related conditions. For these reasons, this variant has been classified as Pathogenic.

Literature cited by the submitters: PubMed 21664875; PubMed 26123418.

NM_001033855.3(DCLRE1C):c.328del (p.Leu110fs)

Gene: DCLRE1C (DNA cross-link repair 1C; minus strand). Cytogenetic location: 10p13.
Variant type: Deletion.
Coding change: c.328del on transcript NM_001033855.3 (MANE Select); coding-DNA position 328, one base deleted (C; older notation c.328delC).
Protein change: p.Leu110fs; shifts the reading frame from leucine 110.
Molecular consequence: frameshift variant. On other transcripts: 5 prime UTR variant (5), non-coding transcript variant (3), intron variant (4).
Genome position (GRCh38, 1-based): chr10:14,936,572, G deleted on the plus strand (C on the coding strand, the reverse complement: DCLRE1C is on the minus strand). VCF-style (leftmost placement, unchanged base first): chr10-14936571-AG-A. GRCh37 (hg19) VCF-style: chr10-14978570-AG-A.
Other names: c.-33del (NM_001033857.3, NM_001033858.3, NM_001289077.2 and 2 more transcripts); c.328del, p.Leu110fs (NM_001350965.2); c.18-1008del (NM_001350966.2, NM_001289078.2, NM_001289076.2 and 1 more transcripts); short protein forms L110fs.
Identifiers: ClinVar variation 2898621 (VCV002898621.3), dbSNP rs2492077741, ClinGen allele CA2574496417.